The following is an entry in ClinVar:

ClinVar aggregate classification (germline): Pathogenic/Likely pathogenic. Review status: criteria provided, multiple submitters, no conflicts (2 of 4 stars). 3 submissions from 3 submitters: Pathogenic (1); Likely pathogenic (2). Last evaluated 2025-09-26.

Conditions:
Glycine encephalopathy. Also called: Nonketotic hyperglycinemia; Non-ketotic hyperglycinemia. Identifiers: Orphanet 407, MedGen C0751748, MONDO:0011612, HP:0008288.

Allele frequency attached by ClinVar (database versions not stated): ExAC 0.00001.

Submissions (3):

Women's Health and Genetics/Laboratory Corporation of America, LabCorp
Classification: Likely pathogenic for Glycine encephalopathy. Last evaluated: 2025-09-26. Review status: criteria provided, single submitter. Criteria: LabCorp Variant Classification Summary - May 2015. Collection method: clinical testing. Allele origin: germline.
Comment: Variant summary: GLDC c.2654T>C (p.Leu885Pro) results in a non-conservative amino acid change in the encoded protein sequence. Algorithms developed to predict the effect of missense changes on protein structure and function all suggest that this variant is likely to be disruptive. The variant allele was found at a frequency of 4e-06 in 251428 control chromosomes. c.2654T>C has been observed in the presumed compound heterozygous state in at least 2 individuals affected with Glycine Encephalopathy (Non-Ketotic Hyperglycinemia) (Coughlin_2017, Tsuyusaki_2012). These data indicate that the variant may be associated with disease. To our knowledge, no experimental evidence demonstrating an impact on protein function has been reported. The following publications have been ascertained in the context of this evaluation (PMID: 27362913, 21316884). ClinVar contains an entry for this variant (Variation ID: 2735242). Based on the evidence outlined above, the variant was classified as likely pathogenic.

Labcorp Genetics (formerly Invitae), Labcorp
Classification: Pathogenic for Glycine encephalopathy. Last evaluated: 2025-08-29. Review status: criteria provided, single submitter. Criteria: Invitae Variant Classification Sherloc (09022015). Collection method: clinical testing. Allele origin: germline.
Comment: This sequence change replaces leucine, which is neutral and non-polar, with proline, which is neutral and non-polar, at codon 885 of the GLDC protein (p.Leu885Pro). This variant is present in population databases (rs749981093, gnomAD 0.0009%). This missense change has been observed in individual(s) with glycine encephalopathy (PMID: 21316884, 26179960). In at least one individual the data is consistent with being in trans (on the opposite chromosome) from a pathogenic variant. ClinVar contains an entry for this variant (Variation ID: 2735242). Invitae Evidence Modeling of protein sequence and biophysical properties (such as structural, functional, and spatial information, amino acid conservation, physicochemical variation, residue mobility, and thermodynamic stability) indicates that this missense variant is expected to disrupt GLDC protein function with a positive predictive value of 95%. For these reasons, this variant has been classified as Pathogenic.

Natera, Inc.
Classification: Likely pathogenic for Non-ketotic hyperglycinemia. Last evaluated: 2025-05-05. Review status: criteria provided, single submitter. Criteria: Natera Variant Classification Schema (03/2026). Collection method: clinical testing. Allele origin: germline.
Comment: The c.2654T>C variant in GLDC is a missense variant predicted to cause substitution of leucine to proline at amino acid 885. This variant is rare in the general population with a frequency below the threshold expected for the associated phenotype(s). This variant has been observed in one or more individuals affected with the associated recessive disease, as either homozygous or compound heterozygous with a second variant (PMID: 27362913, 21316884). Computational prediction algorithms indicate this variant is likely to affect gene or protein function. Given the available evidence, this variant is classified as Likely Pathogenic.

Literature cited by the submitters: PubMed 27362913 (cited by Women's Health and Genetics/Laboratory Corporation of America, LabCorp and Natera, Inc.); PubMed 21316884 (cited by 3 submitters); PubMed 26179960 (cited by Labcorp Genetics (formerly Invitae), Labcorp).

NM_000170.3(GLDC):c.2654T>C (p.Leu885Pro)

Gene: GLDC (glycine decarboxylase; minus strand). Cytogenetic location: 9p24.1.
Variant type: single nucleotide variant.
Coding change: c.2654T>C on transcript NM_000170.3 (MANE Select); coding-DNA position 2654, T replaced by C.
Protein change: p.Leu885Pro; replaces leucine 885 with proline.
Molecular consequence: missense variant.
Genome position (GRCh38, 1-based): chr9:6,540,062, A>G on the plus strand (T>C on the coding strand, the complement: GLDC is on the minus strand). VCF-style: chr9-6540062-A-G. GRCh37 (hg19) VCF-style: chr9-6540062-A-G.
Other names: short protein forms L885P.
Identifiers: ClinVar variation 2735242 (VCV002735242.9), dbSNP rs749981093, ClinGen allele CA4980129.